The following is an entry in ClinVar:

ClinVar aggregate classification (germline): Conflicting classifications of pathogenicity. Review status: criteria provided, conflicting classifications (1 of 4 stars). 2 submissions from 2 submitters: Uncertain significance (1); Likely benign (1). Last evaluated 2026-02-06.

Conditions:
Hereditary cancer-predisposing syndrome. Also called: Tumor predisposition; Neoplastic Syndromes, Hereditary; Hereditary Cancer Syndrome; Hereditary neoplastic syndrome. Identifiers: Orphanet 140162, MedGen C0027672, MeSH D009386, MONDO:0015356.
Ataxia-telangiectasia syndrome (AT). Also called: ATAXIA-TELANGIECTASIA, COMPLEMENTATION GROUP A; ATAXIA-TELANGIECTASIA, FRESNO VARIANT; Ataxia-telangiectasia; Ataxia-telangiectasia, complementation group D; AT, COMPLEMENTATION GROUP C; Ataxia-telangiectasia, complementation group E. Identifiers: Orphanet 100, MedGen C0004135, MONDO:0008840, OMIM 208900.

Submissions (2):

Ambry Genetics
Classification: Uncertain significance for Hereditary cancer-predisposing syndrome. Last evaluated: 2026-02-06. Review status: criteria provided, single submitter. Criteria: Ambry Variant Classification Scheme 2023. Collection method: clinical testing. Allele origin: germline.
Comment: The c.6348-4A>G intronic variant results from an A to G substitution 4 nucleotides upstream from coding exon 43 in the ATM gene. This nucleotide position is not well conserved in available vertebrate species. In silico splice site analysis predicts that this alteration may result in the creation or strengthening of a novel splice acceptor site. Based on the available evidence, the clinical significance of this variant remains unclear.

Labcorp Genetics (formerly Invitae), Labcorp
Classification: Likely benign for Ataxia-telangiectasia syndrome. Last evaluated: 2023-11-29. Review status: criteria provided, single submitter. Criteria: Invitae Variant Classification Sherloc (09022015). Collection method: clinical testing. Allele origin: germline.

NM_000051.4(ATM):c.6348-4A>G

Genes: ATM (ATM serine/threonine kinase; plus strand), C11orf65 (chromosome 11 open reading frame 65; minus strand). Cytogenetic location: 11q22.3.
Variant type: single nucleotide variant.
Coding change: c.6348-4A>G on transcript NM_000051.4 (MANE Select); 4 bases into the intron before coding-DNA position 6348, A replaced by G.
Molecular consequence: intron variant.
Genome position (GRCh38, 1-based): chr11:108,319,950, A>G. VCF-style: chr11-108319950-A-G. GRCh37 (hg19) VCF-style: chr11-108190677-A-G.
Other names: c.6348-4A>G (NM_001351834.2); c.641-10879T>C (NM_001330368.2); c.*39-10879T>C (NM_001351110.2).
Identifiers: ClinVar variation 826339 (VCV000826339.10), dbSNP rs1591099510, ClinGen allele CA915947659.